The following is an entry in ClinVar:

ClinVar aggregate classification (germline): Uncertain significance (1 of 4 stars; one submission).

Submission:

Women's Health and Genetics/Laboratory Corporation of America, LabCorp
Classification: Uncertain significance. Last evaluated: 2025-03-18. Review status: criteria provided, single submitter. Criteria: LabCorp Variant Classification Summary - May 2015. Collection method: clinical testing. Allele origin: germline.
Comment: Variant summary: NSMF c.1414-5T>C alters a non-conserved nucleotide located close to a canonical splice site and therefore could affect mRNA splicing, leading to a significantly altered protein sequence. Consensus agreement among computation tools predict no significant impact on normal splicing. However, these predictions have yet to be confirmed by functional studies. The variant allele was found at a frequency of 2e-05 in 246150 control chromosomes. The available data on variant occurrences in the general population are insufficient to allow any conclusion about variant significance. To our knowledge, no occurrence of c.1414-5T>C in individuals affected with Hypogonadotropic Hypogonadism 9 With Or Without Anosmia and no experimental evidence demonstrating its impact on protein function have been reported. No submitters have cited clinical-significance assessments for this variant to ClinVar. Based on the evidence outlined above, the variant was classified as uncertain significance.

NM_001130969.3(NSMF):c.1420-5T>C

Genes: NSMF (NMDA receptor synaptonuclear signaling and neuronal migration factor; minus strand), LOC126860797 (MED14-independent group 3 enhancer GRCh37_chr9:140343721-140344920; plus strand). Cytogenetic location: 9q34.3.
Variant type: single nucleotide variant.
Coding change: c.1420-5T>C on transcript NM_001130969.3 (MANE Select); 5 bases into the intron before coding-DNA position 1420, T replaced by C.
Molecular consequence: intron variant.
Genome position (GRCh38, 1-based): chr9:137,449,679, A>G on the plus strand (T>C on the coding strand, the complement: NSMF is on the minus strand). VCF-style: chr9-137449679-A-G. GRCh37 (hg19) VCF-style: chr9-140344131-A-G.
Other names: c.1345-5T>C (NM_001130971.2); c.1414-5T>C (NM_015537.5); c.1351-5T>C (NM_001130970.2); c.1330-5T>C (NM_001178064.2).
Identifiers: ClinVar variation 3895546 (VCV003895546.1).